The following is an entry in ClinVar:

ClinVar aggregate classification (germline): Benign/Likely benign. Review status: criteria provided, multiple submitters, no conflicts (2 of 4 stars). 12 submissions from 10 submitters: Benign (3); Likely benign (8). 1 of the submissions does not count toward it. Last evaluated 2026-01-28.

Conditions:
TERT-related disorder. Also called: TERT-related condition; TERT-related disorders.
Dyskeratosis congenita, autosomal dominant 2. Identifiers: MedGen C3151443, MONDO:0013521, OMIM 613989.
Dyskeratosis congenita. Identifiers: Orphanet 1775, MedGen C0265965, MONDO:0015780.
Pulmonary fibrosis and/or bone marrow failure, Telomere-related, 1. Also called: PULMONARY FIBROSIS AND/OR BONE MARROW FAILURE SYNDROME, TELOMERE-RELATED, 1. Identifiers: Orphanet 88, MedGen C3553617, MONDO:0013878, OMIM 614742.
Idiopathic Pulmonary Fibrosis. Also called: Idiopathic fibrosing alveolitis, chronic form; idiopathic fibrosing alveolitis. Identifiers: Orphanet 2032, MedGen C1800706, MeSH D054990, MONDO:0800504.
Aplastic anemia. Identifiers: Orphanet 182040, Orphanet 88, MedGen C0002874, MONDO:0015909, OMIM 609135, HP:0001915.

Allele frequency attached by ClinVar (database versions not stated): gnomAD exomes 0.00014 and 0.00030; ESP Exome Variant Server 0.00060; 1000 Genomes Project 0.00100; gnomAD 0.00109 and 0.00124; 1000 Genomes Project 30x 0.00125; TOPMed 0.00139.
gnomAD v4.1: 388 of 1,577,674 alleles (0.025%); highest among the groups gnomAD compares: African/African-American, 0.39%; no homozygotes.

Submissions (12):

Labcorp Genetics (formerly Invitae), Labcorp
Classification: Benign for Dyskeratosis congenita, autosomal dominant 2; Idiopathic Pulmonary Fibrosis. Last evaluated: 2026-01-28. Review status: criteria provided, single submitter. Criteria: Invitae Variant Classification Sherloc (09022015). Collection method: clinical testing. Allele origin: germline.

CeGaT Center for Human Genetics Tuebingen
Classification: Likely benign. Last evaluated: 2024-08-01. Review status: criteria provided, single submitter. Criteria: CeGaT Center For Human Genetics Tuebingen Variant Classification Criteria Version 2. Collection method: clinical testing. Allele origin: germline. Affected: yes. Observed: 1 variant allele.
Comment: TERT: BP4, BP7

Blueprint Genetics
Classification: Likely benign. Last evaluated: 2022-11-07. Review status: criteria provided, single submitter. Criteria: ACMG Guidelines, 2015. Collection method: clinical testing. Allele origin: germline.

Ambry Genetics
Classification: Likely benign for Dyskeratosis congenita. Last evaluated: 2022-02-12. Review status: criteria provided, single submitter. Criteria: Ambry Variant Classification Scheme 2023. Collection method: clinical testing. Allele origin: germline.

Sema4
Classification: Likely benign for Dyskeratosis congenita. Last evaluated: 2021-05-12. Review status: criteria provided, single submitter. Criteria: Sema4 Curation Guidelines. Collection method: curation. Allele origin: germline.

Genetic Services Laboratory, University of Chicago
Classification: Likely benign. Last evaluated: 2021-02-26. Review status: criteria provided, single submitter. Criteria: ACMG Guidelines, 2015. Collection method: clinical testing. Allele origin: germline. Affected: no.

GeneDx
Classification: Likely benign. Last evaluated: 2019-09-19. Review status: criteria provided, single submitter. Criteria: GeneDx Variant Classification Process June 2021. Collection method: clinical testing. Allele origin: germline. Affected: yes.

Illumina Laboratory Services, Illumina
Classification: Benign for Pulmonary fibrosis and/or bone marrow failure, Telomere-related, 1. Last evaluated: 2018-01-12. Review status: criteria provided, single submitter. Criteria: ICSL Variant Classification Criteria 13 December 2019. Collection method: clinical testing. Allele origin: germline.
Comment: This variant was observed in the ICSL laboratory as part of a predisposition screen in an ostensibly healthy population. It had not been previously curated by ICSL or reported in the Human Gene Mutation Database (HGMD: prior to June 1st, 2018), and was therefore a candidate for classification through an automated scoring system. Utilizing variant allele frequency, disease prevalence and penetrance estimates, and inheritance mode, an automated score was calculated to assess if this variant is too frequent to cause the disease. Based on the score and internal cut-off values, a variant classified as benign is not then subjected to further curation. The score for this variant resulted in a classification of benign for this disease.

Illumina Laboratory Services, Illumina
Classification: Likely benign for Aplastic anemia. Last evaluated: 2018-01-12. Review status: criteria provided, single submitter. Criteria: ICSL Variant Classification Criteria 13 December 2019. Collection method: clinical testing. Allele origin: germline.
Comment: This variant was observed in the ICSL laboratory as part of a predisposition screen in an ostensibly healthy population. It had not been previously curated by ICSL or reported in the Human Gene Mutation Database (HGMD: prior to June 1st, 2018), and was therefore a candidate for classification through an automated scoring system. Utilizing variant allele frequency, disease prevalence and penetrance estimates, and inheritance mode, an automated score was calculated to assess if this variant is too frequent to cause the disease. Based on the score and internal cut-off values, a variant classified as likely benign is not then subjected to further curation. The score for this variant resulted in a classification of likely benign for this disease.

Illumina Laboratory Services, Illumina
Classification: Likely benign for Dyskeratosis congenita, autosomal dominant 2. Last evaluated: 2018-01-12. Review status: criteria provided, single submitter. Criteria: ICSL Variant Classification Criteria 13 December 2019. Collection method: clinical testing. Allele origin: germline.
Comment: the same text as in the submission from Illumina Laboratory Services, Illumina above.

Eurofins Ntd Llc (ga)
Classification: Benign. Last evaluated: 2017-10-23. Review status: criteria provided, single submitter. Criteria: EGL Classification Definitions 2015. Collection method: clinical testing. Allele origin: germline. Observed: 2 variant alleles, 2 heterozygotes.

PreventionGenetics, part of Exact Sciences
Classification: Likely benign for TERT-related condition. Last evaluated: 2020-05-18. Review status: no assertion criteria provided. Collection method: clinical testing. Allele origin: germline. Not counted in ClinVar's aggregate classification.
Comment: This variant is classified as likely benign based on ACMG/AMP sequence variant interpretation guidelines (Richards et al. 2015 PMID: 25741868, with internal and published modifications).

NM_198253.3(TERT):c.534C>T (p.Leu178=)

Gene: TERT (telomerase reverse transcriptase; minus strand). Cytogenetic location: 5p15.33.
Variant type: single nucleotide variant.
Coding change: c.534C>T on transcript NM_198253.3 (MANE Select); coding-DNA position 534, C replaced by T.
Protein change: p.Leu178=; no amino-acid change (leucine 178 retained).
Molecular consequence: synonymous variant. On other transcripts: non-coding transcript variant (2).
Genome position (GRCh38, 1-based): chr5:1,294,352, G>A on the plus strand (C>T on the coding strand, the complement: TERT is on the minus strand). VCF-style: chr5-1294352-G-A. GRCh37 (hg19) VCF-style: chr5-1294467-G-A.
Other names: c.534C>T, p.Leu178= (NM_001193376.3).
Identifiers: ClinVar variation 242242 (VCV000242242.45), dbSNP rs370420108, ClinGen allele CA3184963.